The following is an entry in ClinVar:

NM_000426.4(LAMA2):c.2932G>A (p.Asp978Asn)

Gene: LAMA2 (laminin subunit alpha 2; plus strand). Cytogenetic location: 6q22.33.
Variant type: single nucleotide variant.
Coding change: c.2932G>A on transcript NM_000426.4 (MANE Select); coding-DNA position 2932, G replaced by A.
Protein change: p.Asp978Asn; replaces aspartic acid 978 with asparagine.
Molecular consequence: missense variant.
Genome position (GRCh38, 1-based): chr6:129,297,760, G>A. VCF-style: chr6-129297760-G-A. GRCh37 (hg19) VCF-style: chr6-129618905-G-A.
Other names: c.2932G>A, p.Asp978Asn (NM_001079823.2); short protein forms D978N.
Identifiers: ClinVar variation 451649 (VCV000451649.22), dbSNP rs202050052, ClinGen allele CA3993112.
Genomic context (GRCh38, chr6:129,297,760, plus strand): 5'-CTACAATCAGCAAGGGGCTGTGTTCCCTGCAACTGCAATTCTTTTGGGTCTAAGTCATTC[G>A]ACTGTGAAGAGAGTGGACAATGTTGGTGCCAACCTGGAGTCACAGGGAAGAAATGTGACC-3'
Protein context (NP_000417.3, residues 968-988): NCNSFGSKSF[Asp978Asn]CEESGQCWCQ

ClinVar aggregate classification (germline): Conflicting classifications of pathogenicity. Review status: criteria provided, conflicting classifications (1 of 4 stars). 5 submissions from 5 submitters: Uncertain significance (4); Likely benign (1). Last evaluated 2026-01-21.

Conditions:
LAMA2-related muscular dystrophy (LAMA2-RD). Also called: Laminin alpha 2-related dystrophy. Identifiers: MedGen C5679788, MONDO:0100228.
Congenital muscular dystrophy due to partial LAMA2 deficiency. Identifiers: MedGen C1842898.

Allele frequency attached by ClinVar (database versions not stated): ESP Exome Variant Server 0.00008; gnomAD exomes 0.00009 and 0.00016; ExAC 0.00010; TOPMed 0.00015; 1000 Genomes Project 30x 0.00016; gnomAD 0.00019 and 0.00020; 1000 Genomes Project 0.00020.
gnomAD v4.1: 262 of 1,614,078 alleles (0.016%); highest among the groups gnomAD compares: Middle Eastern, 0.033%; no homozygotes.

Submissions (5):

Labcorp Genetics (formerly Invitae), Labcorp
Classification: Likely benign for LAMA2-related muscular dystrophy. Last evaluated: 2026-01-21. Review status: criteria provided, single submitter. Criteria: Invitae Variant Classification Sherloc (09022015). Collection method: clinical testing. Allele origin: germline.

Revvity Omics, Revvity
Classification: Uncertain significance. Last evaluated: 2024-07-04. Review status: criteria provided, single submitter. Criteria: ACMG Guidelines, 2015. Collection method: clinical testing. Allele origin: germline.

GeneDx
Classification: Uncertain significance. Last evaluated: 2024-05-20. Review status: criteria provided, single submitter. Criteria: GeneDx Variant Classification Process June 2021. Collection method: clinical testing. Allele origin: germline. Affected: yes.
Comment: In silico analysis indicates that this missense variant does not alter protein structure/function; Has not been previously published as pathogenic or benign to our knowledge

Mayo Clinic Laboratories, Mayo Clinic
Classification: Uncertain significance. Last evaluated: 2020-05-21. Review status: criteria provided, single submitter. Criteria: ACMG Guidelines, 2015. Collection method: clinical testing. Allele origin: germline. Observed: 1 variant allele.

Illumina Laboratory Services, Illumina
Classification: Uncertain significance for Congenital muscular dystrophy due to partial LAMA2 deficiency. Last evaluated: 2017-04-27. Review status: criteria provided, single submitter. Criteria: ICSL Variant Classification Criteria 13 December 2019. Collection method: clinical testing. Allele origin: germline.